The following is an entry in ClinVar:

ClinVar aggregate classification (germline): Uncertain significance. Review status: criteria provided, multiple submitters, no conflicts (2 of 4 stars). 2 submissions from 2 submitters: Uncertain significance (2). Last evaluated 2025-12-11.

Conditions:
Inborn genetic diseases. Identifiers: MedGen C0950123, MeSH D030342.

Allele frequency attached by ClinVar (database versions not stated): gnomAD exomes below 0.00001; TOPMed 0.00001; ExAC 0.00002.
gnomAD v4.1: 5 of 1,583,152 alleles (0.00032%); highest among the groups gnomAD compares: Non-Finnish European, 0.00034%; no homozygotes.

Submissions (2):

Ambry Genetics
Classification: Uncertain significance for Inborn genetic diseases. Last evaluated: 2025-12-11. Review status: criteria provided, single submitter. Criteria: Ambry Variant Classification Scheme 2023. Collection method: clinical testing. Allele origin: germline.

Labcorp Genetics (formerly Invitae), Labcorp
Classification: Uncertain significance. Last evaluated: 2022-06-27. Review status: criteria provided, single submitter. Criteria: Invitae Variant Classification Sherloc (09022015). Collection method: clinical testing. Allele origin: germline.
Comment: In summary, the available evidence is currently insufficient to determine the role of this variant in disease. Therefore, it has been classified as a Variant of Uncertain Significance. Algorithms developed to predict the effect of missense changes on protein structure and function are either unavailable or do not agree on the potential impact of this missense change (SIFT: "Deleterious"; PolyPhen-2: "Possibly Damaging"; Align-GVGD: "Class C0"). This variant has not been reported in the literature in individuals affected with ADGRV1-related conditions. The frequency data for this variant in the population databases is considered unreliable, as metrics indicate poor data quality at this position in the gnomAD database. This sequence change replaces valine, which is neutral and non-polar, with methionine, which is neutral and non-polar, at codon 5824 of the ADGRV1 protein (p.Val5824Met).

NM_032119.4(ADGRV1):c.17470G>A (p.Val5824Met)

Gene: ADGRV1 (adhesion G protein-coupled receptor V1; plus strand). Cytogenetic location: 5q14.3.
Variant type: single nucleotide variant.
Coding change: c.17470G>A on transcript NM_032119.4 (MANE Select); coding-DNA position 17470, G replaced by A.
Protein change: p.Val5824Met; replaces valine 5824 with methionine.
Molecular consequence: missense variant. On other transcripts: non-coding transcript variant (1).
Genome position (GRCh38, 1-based): chr5:90,854,077, G>A. VCF-style: chr5-90854077-G-A. GRCh37 (hg19) VCF-style: chr5-90149894-G-A.
Other names: c.17470G>A (NM_032119.3); short protein forms V5824M.
Identifiers: ClinVar variation 1488411 (VCV001488411.9), dbSNP rs759203170, ClinGen allele CA3342382.